The following is an entry in ClinVar:

ClinVar aggregate classification (germline): Uncertain significance (1 of 4 stars; one submission).

Conditions:
Tuberous sclerosis 1 (TSC1). Identifiers: Orphanet 805, MedGen C1854465, MONDO:0008612, OMIM 191100.

Submission:

Labcorp Genetics (formerly Invitae), Labcorp
Classification: Uncertain significance for Tuberous sclerosis 1. Last evaluated: 2022-11-01. Review status: criteria provided, single submitter. Criteria: Invitae Variant Classification Sherloc (09022015). Collection method: clinical testing. Allele origin: germline.
Comment: In summary, the available evidence is currently insufficient to determine the role of this variant in disease. Therefore, it has been classified as a Variant of Uncertain Significance. Advanced modeling of protein sequence and biophysical properties (such as structural, functional, and spatial information, amino acid conservation, physicochemical variation, residue mobility, and thermodynamic stability) performed at Invitae indicates that this missense variant is not expected to disrupt TSC1 protein function. ClinVar contains an entry for this variant (Variation ID: 944414). This variant has not been reported in the literature in individuals affected with TSC1-related conditions. This variant is not present in population databases (gnomAD no frequency). This sequence change replaces alanine, which is neutral and non-polar, with serine, which is neutral and polar, at codon 950 of the TSC1 protein (p.Ala950Ser).

NM_000368.5(TSC1):c.2848G>T (p.Ala950Ser)

Gene: TSC1 (TSC complex subunit 1; minus strand). Cytogenetic location: 9q34.13.
Variant type: single nucleotide variant.
Coding change: c.2848G>T on transcript NM_000368.5 (MANE Select); coding-DNA position 2848, G replaced by T.
Protein change: p.Ala950Ser; replaces alanine 950 with serine.
Molecular consequence: missense variant.
Genome position (GRCh38, 1-based): chr9:132,897,311, C>A on the plus strand (G>T on the coding strand, the complement: TSC1 is on the minus strand). VCF-style: chr9-132897311-C-A. GRCh37 (hg19) VCF-style: chr9-135772698-C-A.
Other names: c.2845G>T, p.Ala949Ser (NM_001162426.2); c.2695G>T, p.Ala899Ser (NM_001162427.2); c.2485G>T, p.Ala829Ser (NM_001362177.2); short protein forms A950S, A829S, A899S, A949S.
Identifiers: ClinVar variation 944414 (VCV000944414.9), dbSNP rs1845129427, ClinGen allele CA375368876.